The following is an entry in ClinVar:

NM_000179.3(MSH6):c.1572C>T (p.Tyr524=)

Gene: MSH6 (mutS homolog 6; plus strand). Cytogenetic location: 2p16.3.
Variant type: single nucleotide variant.
Coding change: c.1572C>T on transcript NM_000179.3 (MANE Select); coding-DNA position 1572, C replaced by T.
Protein change: p.Tyr524=; no amino-acid change (tyrosine 524 retained).
Molecular consequence: synonymous variant.
Genome position (GRCh38, 1-based): chr2:47,799,555, C>T. VCF-style: chr2-47799555-C-T. GRCh37 (hg19) VCF-style: chr2-48026694-C-T.
Other names: c.1182C>T, p.Tyr394= (NM_001281492.2); c.666C>T, p.Tyr222= (NM_001281493.2, NM_001281494.2).
Identifiers: ClinVar variation 386305 (VCV000386305.13), dbSNP rs587779215, ClinGen allele CA16604312.

ClinVar aggregate classification (germline): Benign/Likely benign. Review status: criteria provided, multiple submitters, no conflicts (2 of 4 stars). 6 submissions from 6 submitters: Benign (1); Likely benign (5). Last evaluated 2026-06-01.

Conditions:
Hereditary nonpolyposis colorectal neoplasms. Identifiers: MedGen C0009405, MeSH D003123.
Hereditary cancer-predisposing syndrome. Also called: Neoplastic Syndromes, Hereditary; Hereditary neoplastic syndrome; Tumor predisposition; Hereditary Cancer Syndrome. Identifiers: Orphanet 140162, MedGen C0027672, MeSH D009386, MONDO:0015356.
Lynch syndrome 5 (LYNCH5). Also called: Colorectal cancer, hereditary nonpolyposis, type 5; Hereditary non-polyposis colorectal cancer, type 5. Identifiers: Orphanet 144, MedGen C1833477, MONDO:0013710, OMIM 614350. Disease mechanism: loss of function.

Allele frequency attached by ClinVar (database versions not stated): gnomAD exomes below 0.00001; TOPMed below 0.00001; gnomAD 0.00001.
gnomAD v4.1: 7 of 1,614,036 alleles (0.00043%); highest among the groups gnomAD compares: South Asian, 0.0022%; no homozygotes.

Submissions (6):

CeGaT Center for Human Genetics Tuebingen
Classification: Likely benign. Last evaluated: 2026-06-01. Review status: criteria provided, single submitter. Criteria: CeGaT Center For Human Genetics Tuebingen Variant Classification Criteria Version 2. Collection method: clinical testing. Allele origin: germline. Affected: yes. Observed: 1 variant allele.
Comment: MSH6: BP4, BP7

Labcorp Genetics (formerly Invitae), Labcorp
Classification: Likely benign for Hereditary nonpolyposis colorectal neoplasms. Last evaluated: 2026-01-30. Review status: criteria provided, single submitter. Criteria: Invitae Variant Classification Sherloc (09022015). Collection method: clinical testing. Allele origin: germline.

Myriad Genetics, Inc.
Classification: Benign for Lynch syndrome 5. Last evaluated: 2024-12-27. Review status: criteria provided, single submitter. Criteria: Myriad Autosomal Dominant, Autosomal Recessive and X-Linked Classification Criteria (2023). Collection method: clinical testing. Allele origin: unknown.
Comment: This variant is considered benign. This variant is a silent/synonymous amino acid change and it is not expected to impact splicing.

Ambry Genetics
Classification: Likely benign for Hereditary cancer-predisposing syndrome. Last evaluated: 2022-12-19. Review status: criteria provided, single submitter. Criteria: Ambry Variant Classification Scheme 2023. Collection method: clinical testing. Allele origin: germline.

Color Diagnostics, LLC DBA Color Health
Classification: Likely benign for Hereditary cancer-predisposing syndrome. Last evaluated: 2018-07-31. Review status: criteria provided, single submitter. Criteria: ACMG Guidelines, 2015. Collection method: clinical testing. Allele origin: germline.

GeneDx
Classification: Likely benign. Last evaluated: 2016-05-12. Review status: criteria provided, single submitter. Criteria: GeneDx Variant Classification (06012015). Collection method: clinical testing. Allele origin: germline. Affected: yes.
Comment: This variant is considered likely benign or benign based on one or more of the following criteria: it is a conservative change, it occurs at a poorly conserved position in the protein, it is predicted to be benign by multiple in silico algorithms, and/or has population frequency not consistent with disease.